The following is an entry in ClinVar:

NM_030962.4(SBF2):c.595G>A (p.Val199Met)

Gene: SBF2 (SET binding factor 2; minus strand). Cytogenetic location: 11p15.4.
Variant type: single nucleotide variant.
Coding change: c.595G>A on transcript NM_030962.4 (MANE Select); coding-DNA position 595, G replaced by A.
Protein change: p.Val199Met; replaces valine 199 with methionine.
Molecular consequence: missense variant.
Genome position (GRCh38, 1-based): chr11:10,028,476, C>T on the plus strand (G>A on the coding strand, the complement: SBF2 is on the minus strand). VCF-style: chr11-10028476-C-T. GRCh37 (hg19) VCF-style: chr11-10050023-C-T.
Other names: c.595G>A, p.Val199Met (NM_001386339.1, NM_001386342.1); short protein forms V199M.
Identifiers: ClinVar variation 2202264 (VCV002202264.4), dbSNP rs1399606984, ClinGen allele CA379645889.
Genomic context (GRCh38, chr11:10,028,476, plus strand): 5'-TACAAGATGACATTGAAAATGGGAGAAAAGACATACCCAATTGCTGGAACAGGAGAGCCA[C>T]ACTAGTGCCCGTGATAGGAAGACTATCATGTAAAGGAGTCTGGATCAACTGTCTATCTCC-3'
Protein context (NP_112224.1, residues 189-209): HDSLPITGTS[Val199Met]ALLFQQLGIQ

ClinVar aggregate classification (germline): Uncertain significance (1 of 4 stars; one submission).

Conditions:
Charcot-Marie-Tooth disease type 4. Also called: Charcot-Marie-Tooth disease, type IV; Charcot-Marie-Tooth, Type 4. Identifiers: Orphanet 64749, MedGen C4082197, MONDO:0018995.

Allele frequency attached by ClinVar (database versions not stated): TOPMed below 0.00001.

Submission:

Labcorp Genetics (formerly Invitae), Labcorp
Classification: Uncertain significance for Charcot-Marie-Tooth disease type 4. Last evaluated: 2022-10-25. Review status: criteria provided, single submitter. Criteria: Invitae Variant Classification Sherloc (09022015). Collection method: clinical testing. Allele origin: germline.
Comment: This sequence change replaces valine, which is neutral and non-polar, with methionine, which is neutral and non-polar, at codon 199 of the SBF2 protein (p.Val199Met). This variant is not present in population databases (gnomAD no frequency). This variant has not been reported in the literature in individuals affected with SBF2-related conditions. Advanced modeling of protein sequence and biophysical properties (such as structural, functional, and spatial information, amino acid conservation, physicochemical variation, residue mobility, and thermodynamic stability) performed at Invitae indicates that this missense variant is expected to disrupt SBF2 protein function. In summary, the available evidence is currently insufficient to determine the role of this variant in disease. Therefore, it has been classified as a Variant of Uncertain Significance.